The following is an entry in ClinVar:

NM_017763.6(RNF43):c.1009C>G (p.Arg337Gly)

Gene: RNF43 (ring finger protein 43; minus strand). Cytogenetic location: 17q22.
Variant type: single nucleotide variant.
Coding change: c.1009C>G on transcript NM_017763.6 (MANE Select); coding-DNA position 1009, C replaced by G.
Protein change: p.Arg337Gly; replaces arginine 337 with glycine.
Molecular consequence: missense variant.
Genome position (GRCh38, 1-based): chr17:58,358,767, G>C on the plus strand (C>G on the coding strand, the complement: RNF43 is on the minus strand). VCF-style: chr17-58358767-G-C. GRCh37 (hg19) VCF-style: chr17-56436128-G-C.
Other names: c.1009C>G, p.Arg337Gly (NM_001305544.3); c.628C>G, p.Arg210Gly (NM_001305545.2); short protein forms R210G, R337G.
Identifiers: ClinVar variation 1020748 (VCV001020748.9), dbSNP rs1170091784, ClinGen allele CA400332246.

ClinVar aggregate classification (germline): Uncertain significance. Review status: criteria provided, multiple submitters, no conflicts (2 of 4 stars). 3 submissions from 3 submitters: Uncertain significance (3). Last evaluated 2025-02-16.

Allele frequency attached by ClinVar (database versions not stated): gnomAD exomes 0.00001.
gnomAD v4.1: 1 of 1,559,538 alleles (0.000064%); highest among the groups gnomAD compares: Admixed American, 0.0019%; no homozygotes.

Submissions (3):

Ambry Genetics
Classification: Uncertain significance. Last evaluated: 2025-02-16. Review status: criteria provided, single submitter. Criteria: Ambry Variant Classification Scheme 2023. Collection method: clinical testing. Allele origin: germline.
Comment: The p.R337G variant (also known as c.1009C>G), located in coding exon 8 of the RNF43 gene, results from a C to G substitution at nucleotide position 1009. The arginine at codon 337 is replaced by glycine, an amino acid with dissimilar properties. This amino acid position is conserved. In addition, this alteration is predicted to be tolerated by in silico analysis. Based on the available evidence, the clinical significance of this variant remains unclear.

GeneDx
Classification: Uncertain significance. Last evaluated: 2024-10-25. Review status: criteria provided, single submitter. Criteria: GeneDx Variant Classification Process June 2021. Collection method: clinical testing. Allele origin: germline.
Comment: Not observed at significant frequency in large population cohorts (gnomAD); In silico analysis indicates that this missense variant does not alter protein structure/function; Has not been previously published as pathogenic or benign to our knowledge

Labcorp Genetics (formerly Invitae), Labcorp
Classification: Uncertain significance. Last evaluated: 2022-06-11. Review status: criteria provided, single submitter. Criteria: Invitae Variant Classification Sherloc (09022015). Collection method: clinical testing. Allele origin: germline.
Comment: ClinVar contains an entry for this variant (Variation ID: 1020748). This variant has not been reported in the literature in individuals affected with RNF43-related conditions. This variant is present in population databases (no rsID available, gnomAD 0.004%). This sequence change replaces arginine, which is basic and polar, with glycine, which is neutral and non-polar, at codon 337 of the RNF43 protein (p.Arg337Gly). Algorithms developed to predict the effect of missense changes on protein structure and function (SIFT, PolyPhen-2, Align-GVGD) all suggest that this variant is likely to be tolerated. In summary, the available evidence is currently insufficient to determine the role of this variant in disease. Therefore, it has been classified as a Variant of Uncertain Significance.